The following is an entry in ClinVar:

NM_020693.4(DSCAML1):c.1975G>A (p.Val659Ile)

Gene: DSCAML1 (DS cell adhesion molecule like 1; minus strand). Cytogenetic location: 11q23.3.
Variant type: single nucleotide variant.
Coding change: c.1975G>A on transcript NM_020693.4 (MANE Select); coding-DNA position 1975, G replaced by A.
Protein change: p.Val659Ile; replaces valine 659 with isoleucine.
Molecular consequence: missense variant.
Genome position (GRCh38, 1-based): chr11:117,505,541, C>T on the plus strand (G>A on the coding strand, the complement: DSCAML1 is on the minus strand). VCF-style: chr11-117505541-C-T. GRCh37 (hg19) VCF-style: chr11-117376256-C-T.
Other names: c.1975G>A, p.Val659Ile (NM_001367904.1); short protein forms V659I.
Identifiers: ClinVar variation 1447919 (VCV001447919.6), dbSNP rs533175875, ClinGen allele CA6297136.

ClinVar aggregate classification (germline): Uncertain significance (1 of 4 stars; one submission).

Allele frequency attached by ClinVar (database versions not stated): gnomAD exomes below 0.00001 and 0.00001; ExAC 0.00001; TOPMed 0.00001; gnomAD 0.00003 and 0.00004; 1000 Genomes Project 30x 0.00016; 1000 Genomes Project 0.00020.
gnomAD v4.1: 24 of 1,613,566 alleles (0.0015%); highest among the groups gnomAD compares: African/African-American, 0.0053%; no homozygotes.

Submission:

Labcorp Genetics (formerly Invitae), Labcorp
Classification: Uncertain significance. Last evaluated: 2022-08-16. Review status: criteria provided, single submitter. Criteria: Invitae Variant Classification Sherloc (09022015). Collection method: clinical testing. Allele origin: germline.
Comment: This variant is present in population databases (rs533175875, gnomAD 0.005%). This sequence change replaces valine, which is neutral and non-polar, with isoleucine, which is neutral and non-polar, at codon 719 of the DSCAML1 protein (p.Val719Ile). This variant has not been reported in the literature in individuals affected with DSCAML1-related conditions. ClinVar contains an entry for this variant (Variation ID: 1447919). Algorithms developed to predict the effect of missense changes on protein structure and function are either unavailable or do not agree on the potential impact of this missense change (SIFT: "Deleterious"; PolyPhen-2: "Benign"; Align-GVGD: "Class C0"). In summary, the available evidence is currently insufficient to determine the role of this variant in disease. Therefore, it has been classified as a Variant of Uncertain Significance.